The following is an entry in ClinVar:

NM_000038.6(APC):c.1317A>C (p.Pro439=)

Gene: APC (APC regulator of Wnt signaling pathway; plus strand). Cytogenetic location: 5q22.2.
Variant type: single nucleotide variant.
Coding change: c.1317A>C on transcript NM_000038.6 (MANE Select); coding-DNA position 1317, A replaced by C.
Protein change: p.Pro439=; no amino-acid change (proline 439 retained).
Molecular consequence: synonymous variant. On other transcripts: non-coding transcript variant (2).
Genome position (GRCh38, 1-based): chr5:112,821,900, A>C. VCF-style: chr5-112821900-A-C. GRCh37 (hg19) VCF-style: chr5-112157597-A-C.
Other names: c.1317A>C, p.Pro439= (NM_001127510.3, NM_001354895.2, NM_001354896.2 and 4 more transcripts); c.1263A>C, p.Pro421= (NM_001127511.3); c.1347A>C, p.Pro449= (NM_001354897.2, NM_001407446.1); c.1242A>C, p.Pro414= (NM_001354898.2, NM_001407451.1); c.1233A>C, p.Pro411= (NM_001354899.2, NM_001407452.1); c.1140A>C, p.Pro380= (NM_001354900.2, NM_001354901.2, NM_001407453.1); c.1044A>C, p.Pro348= (NM_001354902.2); c.1014A>C, p.Pro338= (NM_001354903.2, NM_001407454.1, NM_001407455.1 and 5 more transcripts); and 5 more.
Identifiers: ClinVar variation 3148472 (VCV003148472.1), dbSNP rs761821491, ClinGen allele CA445755833.

ClinVar aggregate classification (germline): Benign (1 of 4 stars; one submission).

Conditions:
Familial adenomatous polyposis 1 (FAP1). Also called: POLYPOSIS, ADENOMATOUS INTESTINAL; FAMILIAL ADENOMATOUS POLYPOSIS 1, ATTENUATED. Identifiers: MedGen C2713442, MONDO:0021056, OMIM 175100. Disease mechanism: loss of function.

Submission:

Myriad Genetics, Inc.
Classification: Benign for Familial adenomatous polyposis 1. Last evaluated: 2024-03-01. Review status: criteria provided, single submitter. Criteria: Myriad Autosomal Dominant, Autosomal Recessive and X-Linked Classification Criteria (2023). Collection method: clinical testing. Allele origin: unknown.
Comment: This variant is considered benign. This variant is a silent/synonymous amino acid change and it is not expected to impact splicing.